The following is an entry in ClinVar:

NM_000199.5(SGSH):c.88G>A (p.Ala30Thr)

Gene: SGSH (N-sulfoglucosamine sulfohydrolase; minus strand). Cytogenetic location: 17q25.3.
Variant type: single nucleotide variant.
Coding change: c.88G>A on transcript NM_000199.5 (MANE Select); coding-DNA position 88, G replaced by A.
Protein change: p.Ala30Thr; replaces alanine 30 with threonine.
Molecular consequence: missense variant. On other transcripts: non-coding transcript variant (1).
Genome position (GRCh38, 1-based): chr17:80,220,226, C>T on the plus strand (G>A on the coding strand, the complement: SGSH is on the minus strand). VCF-style: chr17-80220226-C-T. GRCh37 (hg19) VCF-style: chr17-78194025-C-T.
Other names: c.88G>A, p.Ala30Thr (NM_001352921.3, NM_001352922.2); short protein forms A30T.
Identifiers: ClinVar variation 2157695 (VCV002157695.1), dbSNP rs758793075, ClinGen allele CA401365447.

ClinVar aggregate classification (germline): Uncertain significance (1 of 4 stars; one submission).

Conditions:
Mucopolysaccharidosis, MPS-III-A (MPS3A). Also called: HEPARAN SULFATE SULFATASE DEFICIENCY; SANFILIPPO SYNDROME A; SULFAMIDASE DEFICIENCY; MPS III A; Mucopolysaccharidosis, type IIIA; MUCOPOLYSACCHARIDOSIS, TYPE IIIA, ATTENUATED. Identifiers: Orphanet 581, Orphanet 79269, MedGen C0086647, MONDO:0009655, OMIM 252900.

Submission:

Labcorp Genetics (formerly Invitae), Labcorp
Classification: Uncertain significance for Mucopolysaccharidosis, MPS-III-A. Last evaluated: 2021-07-09. Review status: criteria provided, single submitter. Criteria: Invitae Variant Classification Sherloc (09022015). Collection method: clinical testing. Allele origin: germline.
Comment: This sequence change replaces alanine with threonine at codon 30 of the SGSH protein (p.Ala30Thr). The alanine residue is highly conserved and there is a small physicochemical difference between alanine and threonine. This variant also falls at the last nucleotide of exon 1, which is part of the consensus splice site for this exon. The frequency data for this variant in the population databases is considered unreliable, as metrics indicate insufficient coverage at this position in the ExAC database. This variant has not been reported in the literature in individuals affected with SGSH-related conditions. Algorithms developed to predict the effect of missense changes on protein structure and function are either unavailable or do not agree on the potential impact of this missense change (SIFT: "Deleterious"; PolyPhen-2: "Not Available"; Align-GVGD: "Class C0"). Nucleotide substitutions within the consensus splice site are a relatively common cause of aberrant splicing (PMID: 17576681, 9536098). Algorithms developed to predict the effect of sequence changes on RNA splicing suggest that this variant may disrupt the consensus splice site. This variant disrupts the c.88G nucleotide in the SGSH gene. Other variant(s) that disrupt this nucleotide have been determined to be pathogenic (PMID: 22976768, 26331342; Invitae). This suggests that this nucleotide is clinically significant, and that variants that disrupt this position are likely to be disease-causing. In summary, the available evidence is currently insufficient to determine the role of this variant in disease. Therefore, it has been classified as a Variant of Uncertain Significance.

Literature cited by the submitters: PubMed 17576681; PubMed 9536098; PubMed 22976768; PubMed 26331342.